The following is an entry in ClinVar:

NM_003924.4(PHOX2B):c.728C>T (p.Ala243Val)

Genes: PHOX2B (paired like homeobox 2B; minus strand), LOC110011216 (paired like homeobox 2b polyalanine repeat instability region; plus strand). Cytogenetic location: 4p13.
Variant type: single nucleotide variant.
Coding change: c.728C>T on transcript NM_003924.4 (MANE Select); coding-DNA position 728, C replaced by T.
Protein change: p.Ala243Val; replaces alanine 243 with valine.
Molecular consequence: missense variant.
Genome position (GRCh38, 1-based): chr4:41,746,024, G>A on the plus strand (C>T on the coding strand, the complement: PHOX2B is on the minus strand). VCF-style: chr4-41746024-G-A. GRCh37 (hg19) VCF-style: chr4-41748041-G-A.
Other names: short protein forms A243V.
Identifiers: ClinVar variation 568491 (VCV000568491.13), dbSNP rs1482074468, ClinGen allele CA356737244.
Genomic context (GRCh38, chr4:41,746,024, plus strand): 5'-AGGCCTCCAGCTGCCGCCGCTGCCGCTGCCGCCGCCGCCGCTGCCGCGGCCGCCGCCGCT[G>A]CTGCTGCGCCGCCCTTGCCGGGTTCGCCTCCCGGGCCCCCGGGCCCCGCCGCCCCCGGAG-3'
Protein context (NP_003915.2, residues 233-253): GGEPGKGGAA[Ala243Val]AAAAAAAAAA

ClinVar aggregate classification (germline): Uncertain significance. Review status: criteria provided, multiple submitters, no conflicts (2 of 4 stars). 3 submissions from 3 submitters: Uncertain significance (3). Last evaluated 2025-07-14.

Conditions:
Haddad syndrome (OHD). Also called: Ondine-Hirschsprung disease. Identifiers: Orphanet 99803, MedGen C1859049, MONDO:0020493.
Hereditary cancer-predisposing syndrome. Also called: Neoplastic Syndromes, Hereditary; Tumor predisposition; Hereditary neoplastic syndrome; Hereditary Cancer Syndrome. Identifiers: Orphanet 140162, MedGen C0027672, MeSH D009386, MONDO:0015356.

Allele frequency attached by ClinVar (database versions not stated): gnomAD 0.00001; gnomAD exomes 0.00001; TOPMed 0.00003.

Submissions (3):

Labcorp Genetics (formerly Invitae), Labcorp
Classification: Uncertain significance for Haddad syndrome. Last evaluated: 2025-07-14. Review status: criteria provided, single submitter. Criteria: Invitae Variant Classification Sherloc (09022015). Collection method: clinical testing. Allele origin: germline.
Comment: This sequence change replaces alanine, which is neutral and non-polar, with valine, which is neutral and non-polar, at codon 243 of the PHOX2B protein (p.Ala243Val). This variant is not present in population databases (gnomAD no frequency). This missense change has been observed in individual(s) with clinical features of PHOX2B-related conditions (PMID: 33958749). ClinVar contains an entry for this variant (Variation ID: 568491). Invitae Evidence Modeling of protein sequence and biophysical properties (such as structural, functional, and spatial information, amino acid conservation, physicochemical variation, residue mobility, and thermodynamic stability) indicates that this missense variant is not expected to disrupt PHOX2B protein function with a negative predictive value of 80%. In summary, the available evidence is currently insufficient to determine the role of this variant in disease. Therefore, it has been classified as a Variant of Uncertain Significance.

GeneDx
Classification: Uncertain significance. Last evaluated: 2024-02-22. Review status: criteria provided, single submitter. Criteria: GeneDx Variant Classification Process June 2021. Collection method: clinical testing. Allele origin: germline. Affected: yes.
Comment: Not observed at significant frequency in large population cohorts (gnomAD); In silico analysis supports that this missense variant does not alter protein structure/function; Observed in a PHOX2B genetic testing cohort (PMID: 33958749); This variant is associated with the following publications: (PMID: 33958749)

Ambry Genetics
Classification: Uncertain significance for Hereditary cancer-predisposing syndrome. Last evaluated: 2013-09-30. Review status: criteria provided, single submitter. Criteria: Ambry Autosomal Dominant and X-Linked criteria (10/2015). Collection method: clinical testing. Allele origin: germline. Observed: 1 variant allele.
Comment: The p.A243V variant (also known as c.728C>T) is located in coding exon 3 of the PHOX2B gene. This alteration results from a C to T substitution at nucleotide position 728. The alanine at codon 243, which is the third alanine of the polyalanine repeat tract, is replaced by valine, an amino acid with similar properties. Based on protein sequence alignment, this amino acid position is not well conserved and the polyalanine repeat number is variable in available vertebrate species. This variant was not reported in population-based cohorts in the following databases: Database of Single Nucleotide Polymorphisms (dbSNP), NHLBI Exome Sequencing Project (ESP) and 1000 Genomes Project. To date, this alteration has been detected one time in our clinical cohort. This variant is predicted to be benign by PolyPhen and tolerated by SIFT in silico analyses. Since supporting evidence is limited at this time, the clinical significance of p.A243V remains unclear.

Literature cited by the submitters: PubMed 33958749 (cited by Labcorp Genetics (formerly Invitae), Labcorp).